The following is an entry in ClinVar:

ClinVar aggregate classification (germline): Uncertain significance (1 of 4 stars; one submission).

Allele frequency attached by ClinVar (database versions not stated): gnomAD exomes below 0.00001; ExAC 0.00001.
gnomAD v4.1: 5 of 1,614,272 alleles (0.00031%); highest among the groups gnomAD compares: Non-Finnish European, 0.00042%; no homozygotes.

Submission:

Labcorp Genetics (formerly Invitae), Labcorp
Classification: Uncertain significance. Last evaluated: 2023-06-15. Review status: criteria provided, single submitter. Criteria: Invitae Variant Classification Sherloc (09022015). Collection method: clinical testing. Allele origin: germline.
Comment: This variant is present in population databases (rs749003605, gnomAD 0.0009%). In summary, the available evidence is currently insufficient to determine the role of this variant in disease. Therefore, it has been classified as a Variant of Uncertain Significance. Advanced modeling of protein sequence and biophysical properties (such as structural, functional, and spatial information, amino acid conservation, physicochemical variation, residue mobility, and thermodynamic stability) performed at Invitae indicates that this missense variant is not expected to disrupt ANKH protein function. This variant has not been reported in the literature in individuals affected with ANKH-related conditions. This sequence change replaces isoleucine, which is neutral and non-polar, with valine, which is neutral and non-polar, at codon 216 of the ANKH protein (p.Ile216Val).

NM_054027.6(ANKH):c.646A>G (p.Ile216Val)

Gene: ANKH (ANKH inorganic pyrophosphate transport regulator; minus strand). Cytogenetic location: 5p15.2.
Variant type: single nucleotide variant.
Coding change: c.646A>G on transcript NM_054027.6 (MANE Select); coding-DNA position 646, A replaced by G.
Protein change: p.Ile216Val; replaces isoleucine 216 with valine.
Molecular consequence: missense variant.
Genome position (GRCh38, 1-based): chr5:14,751,110, T>C on the plus strand (A>G on the coding strand, the complement: ANKH is on the minus strand). VCF-style: chr5-14751110-T-C. GRCh37 (hg19) VCF-style: chr5-14751219-T-C.
Other names: short protein forms I216V.
Identifiers: ClinVar variation 2974551 (VCV002974551.3), dbSNP rs749003605, ClinGen allele CA3209066.